The following is an entry in ClinVar:

ClinVar aggregate classification (germline): Likely benign (0 of 4 stars; one submission).

Conditions:
RAI1-related disorder. Also called: RAI1-related condition.

Allele frequency attached by ClinVar (database versions not stated): gnomAD 0.00001; TOPMed 0.00001.
gnomAD v4.1: 12 of 1,612,988 alleles (0.00074%); highest among the groups gnomAD compares: African/African-American, 0.0027%; no homozygotes.

Submission:

PreventionGenetics, part of Exact Sciences
Classification: Likely benign for RAI1-related condition. Last evaluated: 2022-03-25. Review status: no assertion criteria provided. Collection method: clinical testing. Allele origin: germline.
Comment: This variant is classified as likely benign based on ACMG/AMP sequence variant interpretation guidelines (Richards et al. 2015 PMID: 25741868, with internal and published modifications).

NM_030665.4(RAI1):c.213C>T (p.Ala71=)

Gene: RAI1 (retinoic acid induced 1; plus strand). Cytogenetic location: 17p11.2.
Variant type: single nucleotide variant.
Coding change: c.213C>T on transcript NM_030665.4 (MANE Select); coding-DNA position 213, C replaced by T.
Protein change: p.Ala71=; no amino-acid change (alanine 71 retained).
Molecular consequence: synonymous variant.
Genome position (GRCh38, 1-based): chr17:17,793,161, C>T. VCF-style: chr17-17793161-C-T. GRCh37 (hg19) VCF-style: chr17-17696475-C-T.
Identifiers: ClinVar variation 3032694 (VCV003032694.2), dbSNP rs1283340427, ClinGen allele CA498422489.